The following is an entry in ClinVar:

ClinVar aggregate classification (germline): Uncertain significance. Review status: criteria provided, multiple submitters, no conflicts (2 of 4 stars). 2 submissions from 2 submitters: Uncertain significance (2). Last evaluated 2025-03-17.

Conditions:
Long QT syndrome (LQTS). Identifiers: MedGen C0023976, MeSH D008133, MONDO:0002442. Disease mechanism: loss of function. Inheritance: Various modes of inheritance.

Allele frequency attached by ClinVar (database versions not stated): gnomAD 0.00001; TOPMed below 0.00001.
gnomAD v4.1: 1 of 1,613,774 alleles (0.000062%); highest among the groups gnomAD compares: Non-Finnish European, 0.000085%; no homozygotes.

Submissions (2):

GeneDx
Classification: Uncertain significance. Last evaluated: 2025-03-17. Review status: criteria provided, single submitter. Criteria: GeneDx Variant Classification Process June 2021. Collection method: clinical testing. Allele origin: germline. Affected: yes.
Comment: Not observed at significant frequency in large population cohorts (gnomAD); In silico analysis indicates that this missense variant does not alter protein structure/function; Has not been previously published as pathogenic or benign to our knowledge

Labcorp Genetics (formerly Invitae), Labcorp
Classification: Uncertain significance for Long QT syndrome. Last evaluated: 2022-08-22. Review status: criteria provided, single submitter. Criteria: Invitae Variant Classification Sherloc (09022015). Collection method: clinical testing. Allele origin: germline.
Comment: In summary, the available evidence is currently insufficient to determine the role of this variant in disease. Therefore, it has been classified as a Variant of Uncertain Significance. Algorithms developed to predict the effect of missense changes on protein structure and function are either unavailable or do not agree on the potential impact of this missense change (SIFT: "Tolerated"; PolyPhen-2: "Possibly Damaging"; Align-GVGD: "Class C0"). ClinVar contains an entry for this variant (Variation ID: 526994). This variant has not been reported in the literature in individuals affected with ANK2-related conditions. This variant is not present in population databases (gnomAD no frequency). This sequence change replaces glutamic acid, which is acidic and polar, with glutamine, which is neutral and polar, at codon 3430 of the ANK2 protein (p.Glu3430Gln).

NM_001148.6(ANK2):c.10288G>C (p.Glu3430Gln)

Gene: ANK2 (ankyrin 2; plus strand). Cytogenetic location: 4q26.
Variant type: single nucleotide variant.
Coding change: c.10288G>C on transcript NM_001148.6 (MANE Select); coding-DNA position 10288, G replaced by C.
Protein change: p.Glu3430Gln; replaces glutamic acid 3430 with glutamine.
Molecular consequence: missense variant. On other transcripts: intron variant (68).
Genome position (GRCh38, 1-based): chr4:113,358,906, G>C. VCF-style: chr4-113358906-G-C. GRCh37 (hg19) VCF-style: chr4-114280062-G-C.
Other names: c.10054G>C, p.Glu3352Gln (NM_001386142.1); c.6688G>C, p.Glu2230Gln (NM_001386166.1); c.10429G>C, p.Glu3477Gln (NM_001386174.1); c.10405G>C, p.Glu3469Gln (NM_001386175.1); c.4412-1917G>C (NM_001386186.2, NM_001386148.2); c.4214-1917G>C (NM_001354269.3); c.4292-1917G>C (NM_001386187.2); c.4253-1917G>C (NM_001386147.1); and 35 more; short protein forms E3430Q, E2230Q, E3352Q, E3469Q, E3477Q.
Identifiers: ClinVar variation 526994 (VCV000526994.6), dbSNP rs1554571927, ClinGen allele CA357940092.
Genomic context (GRCh38, chr4:113,358,906, plus strand): 5'-TACACTGAGACAGAAACAGAGAGCAGAGAGAGGGCCGAGGAACTTGAGTTAGAATCAGAA[G>C]AAGGGGCCACAAGACCAAAGATACTTACATCCCGATTGCCAGTTAAGAGCAGAAGCACTA-3'
Protein context (NP_001139.3, residues 3420-3440): RAEELELESE[Glu3430Gln]GATRPKILTS